The following is an entry in ClinVar:

NM_002458.3(MUC5B):c.6685G>C (p.Glu2229Gln)

Genes: MUC5B (mucin 5B, oligomeric mucus/gel-forming; plus strand), MUC5B-AS1 (MUC5B antisense RNA 1; minus strand). Cytogenetic location: 11p15.5.
Variant type: single nucleotide variant.
Coding change: c.6685G>C on transcript NM_002458.3 (MANE Select); coding-DNA position 6685, G replaced by C.
Protein change: p.Glu2229Gln; replaces glutamic acid 2229 with glutamine.
Molecular consequence: missense variant.
Genome position (GRCh38, 1-based): chr11:1,243,565, G>C. VCF-style: chr11-1243565-G-C. GRCh37 (hg19) VCF-style: chr11-1264795-G-C.
Other names: short protein forms E2229Q.
Identifiers: ClinVar variation 2641223 (VCV002641223.24), dbSNP rs200138247, ClinGen allele CA5806088.

ClinVar aggregate classification (germline): Likely benign (1 of 4 stars; one submission).

Allele frequency attached by ClinVar (database versions not stated): 1000 Genomes Project 0.00379; 1000 Genomes Project 30x 0.00453; ESP Exome Variant Server 0.00479.
gnomAD v4.1: 13,034 of 1,605,994 alleles (0.81%); highest among the groups gnomAD compares: Non-Finnish European, 0.89%; 27 homozygotes.

Submission:

CeGaT Center for Human Genetics Tuebingen
Classification: Likely benign. Last evaluated: 2026-04-01. Review status: criteria provided, single submitter. Criteria: CeGaT Center For Human Genetics Tuebingen Variant Classification Criteria Version 2. Collection method: clinical testing. Allele origin: germline. Affected: yes. Observed: 6 variant alleles.
Comment: MUC5B: BP4, BS2